The following is an entry in ClinVar:

ClinVar aggregate classification (germline): Uncertain significance (1 of 4 stars; one submission).

Allele frequency attached by ClinVar (database versions not stated): gnomAD exomes 0.00001; ExAC 0.00002.
gnomAD v4.1: 12 of 1,611,380 alleles (0.00074%); highest among the groups gnomAD compares: Non-Finnish European, 0.001%; no homozygotes.

Submission:

Labcorp Genetics (formerly Invitae), Labcorp
Classification: Uncertain significance. Last evaluated: 2022-03-02. Review status: criteria provided, single submitter. Criteria: Invitae Variant Classification Sherloc (09022015). Collection method: clinical testing. Allele origin: germline.
Comment: In summary, the available evidence is currently insufficient to determine the role of this variant in disease. Therefore, it has been classified as a Variant of Uncertain Significance. Algorithms developed to predict the effect of missense changes on protein structure and function are either unavailable or do not agree on the potential impact of this missense change (SIFT: "Tolerated"; PolyPhen-2: "Probably Damaging"; Align-GVGD: "Class C0"). This variant has not been reported in the literature in individuals affected with WDR36-related conditions. This variant is present in population databases (rs754995924, gnomAD 0.0009%). This sequence change replaces histidine, which is basic and polar, with tyrosine, which is neutral and polar, at codon 621 of the WDR36 protein (p.His621Tyr).

NM_139281.3(WDR36):c.1693C>T (p.His565Tyr)

Gene: WDR36 (WD repeat domain 36; plus strand). Cytogenetic location: 5q22.1.
Variant type: single nucleotide variant.
Coding change: c.1693C>T on transcript NM_139281.3 (MANE Select); coding-DNA position 1693, C replaced by T.
Protein change: p.His565Tyr; replaces histidine 565 with tyrosine.
Molecular consequence: missense variant.
Genome position (GRCh38, 1-based): chr5:111,111,255, C>T. VCF-style: chr5-111111255-C-T. GRCh37 (hg19) VCF-style: chr5-110446954-C-T.
Other names: short protein forms H565Y.
Identifiers: ClinVar variation 2421298 (VCV002421298.6), dbSNP rs754995924, ClinGen allele CA3365744.
Genomic context (GRCh38, chr5:111,111,255, plus strand): 5'-GACTTCTCCATTAGTGTTCTGGACATAGAAACTAGGAAGATTGTCAGAGAGTTTTCTGGA[C>T]ACCAAGGCCAAATAAATGACATGGTAAAACAAACTCTAACTAATAAAACTTGACTCATTT-3'
Protein context (NP_644810.2, residues 555-575): TRKIVREFSG[His565Tyr]QGQINDMAFS